The following is an entry in ClinVar:

ClinVar aggregate classification (germline): Conflicting classifications of pathogenicity. Review status: criteria provided, conflicting classifications (1 of 4 stars). 2 submissions from 2 submitters: Uncertain significance (1); Likely benign (1). Last evaluated 2025-04-02.

Conditions:
Birt-Hogg-Dube syndrome. Also called: Birt Hogg Dubé syndrome. Identifiers: Orphanet 122, MedGen C0346010, MONDO:0800444.
Hereditary cancer-predisposing syndrome. Also called: Neoplastic Syndromes, Hereditary; Hereditary neoplastic syndrome; Tumor predisposition; Hereditary Cancer Syndrome. Identifiers: Orphanet 140162, MedGen C0027672, MeSH D009386, MONDO:0015356.

Submissions (2):

Labcorp Genetics (formerly Invitae), Labcorp
Classification: Likely benign for Birt-Hogg-Dube syndrome. Last evaluated: 2025-04-02. Review status: criteria provided, single submitter. Criteria: Invitae Variant Classification Sherloc (09022015). Collection method: clinical testing. Allele origin: germline.

Ambry Genetics
Classification: Uncertain significance for Hereditary cancer-predisposing syndrome. Last evaluated: 2024-06-11. Review status: criteria provided, single submitter. Criteria: Ambry Variant Classification Scheme 2023. Collection method: clinical testing. Allele origin: germline.
Comment: The c.1539C>T variant (also known as p.N513N), located in coding exon 11 of the FLCN gene, results from a C to T substitution at nucleotide position 1539. This variant impacts the first base pair of coding exon 11. This nucleotide substitution does not change the asparagine at codon 513. This nucleotide position is not well conserved in available vertebrate species. In silico splice site analysis predicts that this alteration may result in the creation or strengthening of a novel splice acceptor site. Based on the available evidence, the clinical significance of this variant remains unclear.

NM_144997.7(FLCN):c.1539C>T (p.Asn513=)

Gene: FLCN (folliculin; minus strand). Cytogenetic location: 17p11.2.
Variant type: single nucleotide variant.
Coding change: c.1539C>T on transcript NM_144997.7 (MANE Select); coding-DNA position 1539, C replaced by T.
Protein change: p.Asn513=; no amino-acid change (asparagine 513 retained).
Molecular consequence: synonymous variant.
Genome position (GRCh38, 1-based): chr17:17,213,856, G>A on the plus strand (C>T on the coding strand, the complement: FLCN is on the minus strand). VCF-style: chr17-17213856-G-A. GRCh37 (hg19) VCF-style: chr17-17117170-G-A.
Other names: c.1593C>T, p.Asn531= (NM_001353229.2); c.1539C>T, p.Asn513= (NM_001353230.2, NM_001353231.2).
Identifiers: ClinVar variation 837020 (VCV000837020.8), dbSNP rs2046824297, ClinGen allele CA498163184.